The following is an entry in ClinVar:

NM_001378454.1(ALMS1):c.11881T>C (p.Trp3961Arg)

Genes: ALMS1 (ALMS1 centrosome and basal body associated protein; plus strand), LOC126806252 (BRD4-independent group 4 enhancer GRCh37_chr2:73828496-73829695; plus strand). Cytogenetic location: 2p13.1.
Variant type: single nucleotide variant.
Coding change: c.11881T>C on transcript NM_001378454.1 (MANE Select); coding-DNA position 11881, T replaced by C.
Protein change: p.Trp3961Arg; replaces tryptophan 3961 with arginine.
Molecular consequence: missense variant.
Genome position (GRCh38, 1-based): chr2:73,601,203, T>C. VCF-style: chr2-73601203-T-C. GRCh37 (hg19) VCF-style: chr2-73828330-T-C.
Other names: c.11884T>C, p.Trp3962Arg (NM_015120.4); short protein forms W3961R, W3962R.
Identifiers: ClinVar variation 1001787 (VCV001001787.11), dbSNP rs774496480, ClinGen allele CA1715368.

ClinVar aggregate classification (germline): Uncertain significance. Review status: criteria provided, single submitter (1 of 4 stars). 2 submissions from 2 submitters: Uncertain significance (1). 1 of the submissions does not count toward it. Last evaluated 2021-04-03.

Conditions:
Alstrom syndrome (ALMS). Identifiers: Orphanet 64, MedGen C0268425, MONDO:0008763, OMIM 203800.

Allele frequency attached by ClinVar (database versions not stated): gnomAD exomes below 0.00001; TOPMed below 0.00001; ExAC 0.00001.
gnomAD v4.1: 1 of 1,614,198 alleles (0.000062%); highest among the groups gnomAD compares: South Asian, 0.0011%; no homozygotes.

Submissions (2):

Labcorp Genetics (formerly Invitae), Labcorp
Classification: Uncertain significance for Alstrom syndrome. Last evaluated: 2021-04-03. Review status: criteria provided, single submitter. Criteria: Invitae Variant Classification Sherloc (09022015). Collection method: clinical testing. Allele origin: germline.
Comment: This sequence change replaces tryptophan with arginine at codon 3962 of the ALMS1 protein (p.Trp3962Arg). The tryptophan residue is highly conserved and there is a moderate physicochemical difference between tryptophan and arginine. This variant is present in population databases (rs774496480, ExAC 0.006%). This variant has not been reported in the literature in individuals with ALMS1-related conditions. Experimental studies and prediction algorithms are not available or were not evaluated, and the functional significance of this variant is currently unknown. In summary, the available evidence is currently insufficient to determine the role of this variant in disease. Therefore, it has been classified as a Variant of Uncertain Significance.

Natera, Inc.
Classification: Uncertain significance for Alstrom syndrome. Last evaluated: 2021-06-01. Review status: no assertion criteria provided. Collection method: clinical testing. Allele origin: germline. Not counted in ClinVar's aggregate classification.